The following is an entry in ClinVar:

ClinVar aggregate classification (germline): Benign/Likely benign. Review status: criteria provided, multiple submitters, no conflicts (2 of 4 stars). 4 submissions from 4 submitters: Benign (2); Likely benign (1). 1 of the submissions does not count toward it. Last evaluated 2025-12-29.

Conditions:
NPHP4-related disorder. Also called: NPHP4-related disorders; NPHP4-related condition. Identifiers: MedGen CN239384.
Nephronophthisis. Also called: Juvenile Nephronophthisis. Identifiers: Orphanet 655, MedGen C0687120, MONDO:0019005, HP:0000090.

Allele frequency attached by ClinVar (database versions not stated): gnomAD 0.00011 and 0.00014; ExAC 0.00044.
gnomAD v4.1: 370 of 1,613,742 alleles (0.023%); highest among the groups gnomAD compares: South Asian, 0.18%; 3 homozygotes.

Submissions (4):

Labcorp Genetics (formerly Invitae), Labcorp
Classification: Benign for Nephronophthisis. Last evaluated: 2025-12-29. Review status: criteria provided, single submitter. Criteria: Invitae Variant Classification Sherloc (09022015). Collection method: clinical testing. Allele origin: germline.

Blueprint Genetics
Classification: Likely benign. Last evaluated: 2024-11-20. Review status: criteria provided, single submitter. Criteria: ACMG Guidelines, 2015. Collection method: clinical testing. Allele origin: germline.

Breakthrough Genomics
Classification: Benign. Review status: criteria provided, single submitter. Criteria: ACMG Guidelines, 2015. Collection method: not provided. Allele origin: germline. Inheritance: Autosomal recessive inheritance. Affected: yes.

PreventionGenetics, part of Exact Sciences
Classification: Likely benign for NPHP4-related condition. Last evaluated: 2024-09-16. Review status: no assertion criteria provided. Collection method: clinical testing. Allele origin: germline. Not counted in ClinVar's aggregate classification.
Comment: This variant is classified as likely benign based on ACMG/AMP sequence variant interpretation guidelines (Richards et al. 2015 PMID: 25741868, with internal and published modifications).

NM_015102.5(NPHP4):c.122C>T (p.Pro41Leu)

Gene: NPHP4 (nephrocystin 4; minus strand). Cytogenetic location: 1p36.31.
Variant type: single nucleotide variant.
Coding change: c.122C>T on transcript NM_015102.5 (MANE Select); coding-DNA position 122, C replaced by T.
Protein change: p.Pro41Leu; replaces proline 41 with leucine.
Molecular consequence: missense variant. On other transcripts: 5 prime UTR variant (1), non-coding transcript variant (1), intron variant (1).
Genome position (GRCh38, 1-based): chr1:5,986,168, G>A on the plus strand (C>T on the coding strand, the complement: NPHP4 is on the minus strand). VCF-style: chr1-5986168-G-A. GRCh37 (hg19) VCF-style: chr1-6046228-G-A.
Other names: c.-1108C>T (NM_001291593.2); c.-1088+6076C>T (NM_001291594.2); c.122C>T (NM_015102.4); short protein forms P41L.
Identifiers: ClinVar variation 1626035 (VCV001626035.12), dbSNP rs754311690, ClinGen allele CA554944.